The following is an entry in ClinVar:

ClinVar aggregate classification (germline): Likely benign. Review status: criteria provided, multiple submitters, no conflicts (2 of 4 stars). 4 submissions from 4 submitters: Likely benign (3). 1 of the submissions does not count toward it. Last evaluated 2024-12-19.

Conditions:
Inborn genetic diseases. Identifiers: MedGen C0950123, MeSH D030342.
PAX5-related disorder. Also called: PAX5-related condition.

Allele frequency attached by ClinVar (database versions not stated): gnomAD 0.00001; TOPMed 0.00001; gnomAD exomes 0.00002; ExAC 0.00003.
gnomAD v4.1: 22 of 1,565,264 alleles (0.0014%); highest among the groups gnomAD compares: Non-Finnish European, 0.0019%; no homozygotes.

Submissions (4):

Ambry Genetics
Classification: Likely benign for Inborn genetic diseases. Last evaluated: 2024-12-19. Review status: criteria provided, single submitter. Criteria: Ambry Variant Classification Scheme 2023. Collection method: clinical testing. Allele origin: germline.

Labcorp Genetics (formerly Invitae), Labcorp
Classification: Likely benign. Last evaluated: 2024-01-06. Review status: criteria provided, single submitter. Criteria: Invitae Variant Classification Sherloc (09022015). Collection method: clinical testing. Allele origin: germline.

Blueprint Genetics
Classification: Likely benign. Last evaluated: 2023-10-27. Review status: criteria provided, single submitter. Criteria: ACMG Guidelines, 2015. Collection method: clinical testing. Allele origin: germline.

PreventionGenetics, part of Exact Sciences
Classification: Likely benign for PAX5-related condition. Last evaluated: 2020-02-26. Review status: no assertion criteria provided. Collection method: clinical testing. Allele origin: germline. Not counted in ClinVar's aggregate classification.
Comment: This variant is classified as likely benign based on ACMG/AMP sequence variant interpretation guidelines (Richards et al. 2015 PMID: 25741868, with internal and published modifications).

NM_016734.3(PAX5):c.1107C>T (p.Pro369=)

Gene: PAX5 (paired box 5; minus strand). Cytogenetic location: 9p13.2.
Variant type: single nucleotide variant.
Coding change: c.1107C>T on transcript NM_016734.3 (MANE Select); coding-DNA position 1107, C replaced by T.
Protein change: p.Pro369=; no amino-acid change (proline 369 retained).
Molecular consequence: synonymous variant. On other transcripts: missense variant (2), non-coding transcript variant (2).
Genome position (GRCh38, 1-based): chr9:36,840,629, G>A on the plus strand (C>T on the coding strand, the complement: PAX5 is on the minus strand). VCF-style: chr9-36840629-G-A. GRCh37 (hg19) VCF-style: chr9-36840626-G-A.
Other names: c.1005C>T, p.Pro335= (NM_001280547.2); c.1020C>T, p.Pro340= (NM_001280548.2); c.875C>T, p.Pro292Leu (NM_001280549.2); c.788C>T, p.Pro263Leu (NM_001280550.2); c.594C>T, p.Pro198= (NM_001280551.2); c.918C>T, p.Pro306= (NM_001280552.2); c.891C>T, p.Pro297= (NM_001280553.2); c.978C>T, p.Pro326= (NM_001280554.2); and 4 more; short protein forms P292L, P263L.
Identifiers: ClinVar variation 2875488 (VCV002875488.7), dbSNP rs768255155, ClinGen allele CA5058020.